The following is an entry in ClinVar:

ClinVar aggregate classification (germline): Uncertain significance (1 of 4 stars; one submission).

gnomAD v4.1: 1 of 1,614,032 alleles (0.000062%); highest among the groups gnomAD compares: Non-Finnish European, 0.000085%; no homozygotes.

Submission:

Labcorp Genetics (formerly Invitae), Labcorp
Classification: Uncertain significance. Last evaluated: 2022-12-01. Review status: criteria provided, single submitter. Criteria: Invitae Variant Classification Sherloc (09022015). Collection method: clinical testing. Allele origin: germline.
Comment: In summary, the available evidence is currently insufficient to determine the role of this variant in disease. Therefore, it has been classified as a Variant of Uncertain Significance. Advanced modeling of protein sequence and biophysical properties (such as structural, functional, and spatial information, amino acid conservation, physicochemical variation, residue mobility, and thermodynamic stability) performed at Invitae indicates that this missense variant is not expected to disrupt WFS1 protein function. This variant has not been reported in the literature in individuals affected with WFS1-related conditions. This variant is not present in population databases (gnomAD no frequency). This sequence change replaces methionine, which is neutral and non-polar, with arginine, which is basic and polar, at codon 623 of the WFS1 protein (p.Met623Arg).

NM_006005.3(WFS1):c.1868T>G (p.Met623Arg)

Gene: WFS1 (wolframin ER transmembrane glycoprotein; plus strand). Cytogenetic location: 4p16.1.
Variant type: single nucleotide variant.
Coding change: c.1868T>G on transcript NM_006005.3 (MANE Select); coding-DNA position 1868, T replaced by G.
Protein change: p.Met623Arg; replaces methionine 623 with arginine.
Molecular consequence: missense variant.
Genome position (GRCh38, 1-based): chr4:6,301,663, T>G. VCF-style: chr4-6301663-T-G. GRCh37 (hg19) VCF-style: chr4-6303390-T-G.
Other names: c.1868T>G, p.Met623Arg (NM_001145853.1); short protein forms M623R.
Identifiers: ClinVar variation 2867316 (VCV002867316.3), dbSNP rs758746685, ClinGen allele CA356177005.